The following is an entry in ClinVar:

ClinVar aggregate classification (germline): Uncertain significance. Review status: criteria provided, multiple submitters, no conflicts (2 of 4 stars). 4 submissions from 4 submitters: Uncertain significance (4). Last evaluated 2025-03-09.

Conditions:
Peutz-Jeghers syndrome (PJS). Also called: POLYPOSIS, HAMARTOMATOUS INTESTINAL; POLYPS-AND-SPOTS SYNDROME; Peutz-Jeghers polyposis; Periorificial lentiginosis syndrome. Identifiers: Orphanet 2869, MedGen C0031269, MeSH D010580, MONDO:0008280, OMIM 175200.

Submissions (4):

Labcorp Genetics (formerly Invitae), Labcorp
Classification: Uncertain significance for Peutz-Jeghers syndrome. Last evaluated: 2025-03-09. Review status: criteria provided, single submitter. Criteria: Invitae Variant Classification Sherloc (09022015). Collection method: clinical testing. Allele origin: germline.
Comment: This sequence change falls in intron 2 of the STK11 gene. It does not directly change the encoded amino acid sequence of the STK11 protein. It affects a nucleotide within the consensus splice site. This variant is not present in population databases (gnomAD no frequency). This variant has not been reported in the literature in individuals affected with STK11-related conditions. ClinVar contains an entry for this variant (Variation ID: 849003). Variants that disrupt the consensus splice site are a relatively common cause of aberrant splicing (PMID: 17576681, 9536098). Studies have shown that this variant is associated with inconclusive levels of altered splicing (internal data). In summary, the available evidence is currently insufficient to determine the role of this variant in disease. Therefore, it has been classified as a Variant of Uncertain Significance.

All of Us Research Program, National Institutes of Health
Classification: Uncertain significance for Peutz-Jeghers syndrome. Last evaluated: 2023-10-23. Review status: criteria provided, single submitter. Criteria: ACMG Guidelines, 2015. Collection method: clinical testing. Allele origin: germline. Inheritance: Autosomal dominant inheritance. Observed: 1 variant allele, 1 heterozygote.
Comment: This variant causes the deletion of one nucleotide in intron 2 of the STK11 gene. To our knowledge, functional studies have not been reported for this variant. This variant has not been reported in individuals affected with STK11-related disorders in the literature. This variant has not been identified in the general population by the Genome Aggregation Database (gnomAD). The available evidence is insufficient to determine the role of this variant in disease conclusively. Therefore, this variant is classified as a Variant of Uncertain Significance.

This study involves interpretation of variants in research participants for the purpose of population health screening. Participant phenotype was not available at the time of variant classification. Additional details can be found in publication PMID: 35346344, PMCID: PMC8962531

Genome-Nilou Lab
Classification: Uncertain significance for Peutz-Jeghers syndrome. Last evaluated: 2021-07-15. Review status: criteria provided, single submitter. Criteria: ACMG Guidelines, 2015. Collection method: clinical testing. Allele origin: germline. Affected: no.

Women's Health and Genetics/Laboratory Corporation of America, LabCorp
Classification: Uncertain significance. Last evaluated: 2019-11-04. Review status: criteria provided, single submitter. Criteria: LabCorp Variant Classification Summary - May 2015. Collection method: clinical testing. Allele origin: germline.
Comment: Variant summary: STK11 c.374+6delC alters a conserved nucleotide located close to a canonical splice site and therefore could affect mRNA splicing, leading to a significantly altered protein sequence. 4/4 computational tools predict no significant impact on normal splicing. However, these predictions have yet to be confirmed by functional studies. The variant was absent in 248936 control chromosomes. The available data on variant occurrences in the general population are insufficient to allow any conclusion about variant significance. To our knowledge, no occurrence of c.374+6delC in individuals affected with Peutz-Jeghers Syndrome and no experimental evidence demonstrating its impact on protein function have been reported. No clinical diagnostic laboratories have submitted clinical-significance assessments for this variant to ClinVar after 2014. Based on the evidence outlined above, the variant was classified as uncertain significance.

Literature cited by the submitters: PubMed 17576681 (cited by Labcorp Genetics (formerly Invitae), Labcorp); PubMed 9536098 (cited by Labcorp Genetics (formerly Invitae), Labcorp).

NM_000455.5(STK11):c.374+6del

Gene: STK11 (serine/threonine kinase 11; plus strand). Cytogenetic location: 19p13.3.
Variant type: Deletion.
Coding change: c.374+6del on transcript NM_000455.5 (MANE Select); 6 bases into the intron after coding-DNA position 374, one base deleted (C; older notation c.374+6delC).
Molecular consequence: intron variant.
Genome position (GRCh38, 1-based): chr19:1,218,506, C deleted; the last of 2 consecutive C bases (chr19:1,218,505-1,218,506); deleting either gives the same sequence. VCF-style (leftmost placement, unchanged base first): chr19-1218504-TC-T. GRCh37 (hg19) VCF-style: chr19-1218503-TC-T.
Identifiers: ClinVar variation 849003 (VCV000849003.11), dbSNP rs2080759180, ClinGen allele CA916081943.